The following is an entry in ClinVar:

ClinVar aggregate classification (germline): Likely benign (1 of 4 stars; one submission).

Allele frequency attached by ClinVar (database versions not stated): 1000 Genomes Project 0.00020; 1000 Genomes Project 30x 0.00031; TOPMed 0.00172; ESP Exome Variant Server 0.00200; gnomAD 0.00266; ExAC 0.00278; gnomAD exomes 0.00304.
gnomAD v4.1: 4,780 of 1,613,764 alleles (0.3%); highest among the groups gnomAD compares: Non-Finnish European, 0.32%; 19 homozygotes.

Submission:

CeGaT Center for Human Genetics Tuebingen
Classification: Likely benign. Last evaluated: 2024-07-01. Review status: criteria provided, single submitter. Criteria: CeGaT Center For Human Genetics Tuebingen Variant Classification Criteria Version 2. Collection method: clinical testing. Allele origin: germline. Affected: yes. Observed: 2 variant alleles.
Comment: INO80D: BS2

NM_017759.5(INO80D):c.1813A>G (p.Asn605Asp)

Gene: INO80D (INO80 complex subunit D; minus strand). Cytogenetic location: 2q33.3.
Variant type: single nucleotide variant.
Coding change: c.1813A>G on transcript NM_017759.5 (MANE Select); coding-DNA position 1813, A replaced by G.
Protein change: p.Asn605Asp; replaces asparagine 605 with aspartic acid.
Molecular consequence: missense variant.
Genome position (GRCh38, 1-based): chr2:206,007,389, T>C on the plus strand (A>G on the coding strand, the complement: INO80D is on the minus strand). VCF-style: chr2-206007389-T-C. GRCh37 (hg19) VCF-style: chr2-206872113-T-C.
Other names: short protein forms N605D.
Identifiers: ClinVar variation 2651834 (VCV002651834.24), dbSNP rs201681502, ClinGen allele CA2069841.